The following is an entry in ClinVar:

NM_006514.4(SCN10A):c.1462-265A>G

Gene: SCN10A (sodium voltage-gated channel alpha subunit 10; minus strand). Cytogenetic location: 3p22.2.
Variant type: single nucleotide variant.
Coding change: c.1462-265A>G on transcript NM_006514.4 (MANE Select); 265 bases into the intron before coding-DNA position 1462, A replaced by G.
Molecular consequence: intron variant.
Genome position (GRCh38, 1-based): chr3:38,752,777, T>C on the plus strand (A>G on the coding strand, the complement: SCN10A is on the minus strand). VCF-style: chr3-38752777-T-C. GRCh37 (hg19) VCF-style: chr3-38794268-T-C.
Other names: c.1462-2593A>G (NM_001293307.2); c.1462-265A>G (NM_001293306.2).
Identifiers: ClinVar variation 683805 (VCV000683805.1), dbSNP rs7431144, ClinGen allele CA16140413.
Genomic context (GRCh38, chr3:38,752,777, plus strand): 5'-AAAGACCAGGAGAGAGGAGAGATTACAGCGTGCTGATGCTCAGCAAATAGGTTATCATGG[T>C]CAGGAACATGTCAGAGGAAACCTTGTCACCTGGATAGTTCAGTTGATTGCCAACCTTTGG-3'

ClinVar aggregate classification (germline): Benign (1 of 4 stars; one submission).

Allele frequency attached by ClinVar (database versions not stated): gnomAD 0.17376 and 0.17025; TOPMed 0.19521; 1000 Genomes Project 30x 0.27530; 1000 Genomes Project 0.27596.
gnomAD v4.1: 26,317 of 152,164 alleles (17%); highest among the groups gnomAD compares: East Asian, 39%; 3,366 homozygotes.

Submission:

GeneDx
Classification: Benign. Last evaluated: 2018-06-19. Review status: criteria provided, single submitter. Criteria: GeneDx Variant Classification (06012015). Collection method: clinical testing. Allele origin: germline. Affected: yes.
Comment: This variant is considered likely benign or benign based on one or more of the following criteria: it is a conservative change, it occurs at a poorly conserved position in the protein, it is predicted to be benign by multiple in silico algorithms, and/or has population frequency not consistent with disease.